The following is an entry in ClinVar:

ClinVar aggregate classification (germline): Likely benign. Review status: criteria provided, multiple submitters, no conflicts (2 of 4 stars). 2 submissions from 2 submitters: Likely benign (2). Last evaluated 2025-09-03.

Conditions:
Tuberous sclerosis 2 (TSC2). Identifiers: Orphanet 805, MedGen C1860707, MONDO:0013199, OMIM 613254.

Submissions (2):

Labcorp Genetics (formerly Invitae), Labcorp
Classification: Likely benign for Tuberous sclerosis 2. Last evaluated: 2025-09-03. Review status: criteria provided, single submitter. Criteria: Invitae Variant Classification Sherloc (09022015). Collection method: clinical testing. Allele origin: germline.

Myriad Genetics, Inc.
Classification: Likely benign for Tuberous sclerosis 2. Last evaluated: 2025-05-15. Review status: criteria provided, single submitter. Criteria: Myriad Autosomal Dominant, Autosomal Recessive and X-Linked Classification Criteria (2023). Collection method: clinical testing. Allele origin: unknown.
Comment: This variant is considered likely benign. This variant is intronic and is not expected to impact mRNA splicing.

NM_000548.5(TSC2):c.1839+8G>A

Gene: TSC2 (TSC complex subunit 2; plus strand). Cytogenetic location: 16p13.3.
Variant type: single nucleotide variant.
Coding change: c.1839+8G>A on transcript NM_000548.5 (MANE Select); 8 bases into the intron after coding-DNA position 1839, G replaced by A.
Molecular consequence: intron variant.
Genome position (GRCh38, 1-based): chr16:2,070,586, G>A. VCF-style: chr16-2070586-G-A. GRCh37 (hg19) VCF-style: chr16-2120587-G-A.
Other names: c.1839+8G>A (NM_001114382.3, NM_021055.3, NM_001370405.1 and 3 more transcripts); c.1728+8G>A (NM_001318827.2); c.1239+8G>A (NM_001318831.2); c.1692+8G>A (NM_001318829.2); c.1872+8G>A (NM_001318832.2).
Identifiers: ClinVar variation 751968 (VCV000751968.11), dbSNP rs778061556, ClinGen allele CA620705906.